The following is an entry in ClinVar:

ClinVar aggregate classification (germline): Conflicting classifications of pathogenicity. Review status: criteria provided, conflicting classifications (1 of 4 stars). 2 submissions from 2 submitters: Likely pathogenic (1); Uncertain significance (1). Last evaluated 2024-11-15.

Conditions:
Neurodevelopmental disorder with or without autism or seizures (NEDAUS). Identifiers: MedGen C5543225, MONDO:0030994, OMIM 619239.
CUL3-related disorder. Also called: CUL3-related disorders; CUL3-related condition.

Submissions (2):

PreventionGenetics, part of Exact Sciences
Classification: Uncertain significance for CUL3-related condition. Last evaluated: 2024-11-15. Review status: criteria provided, single submitter. Criteria: ACMG Guidelines, 2015. Collection method: clinical testing. Allele origin: germline.
Comment: The CUL3 c.2254_2255delGA variant is predicted to result in a frameshift and premature protein termination (p.Glu752Ilefs*7). This variant is located in the last exon and is only predicted to disrupt the final 17 amino acids. To our knowledge, this variant has not been reported in the literature or in a large population database (gnomAD), indicating this variant is rare. At this time, the clinical significance of this variant is uncertain due to the absence of conclusive functional and genetic evidence.

Clinical Genetics Service, Universitary Hospital 12 de Octubre
Classification: Likely pathogenic for Neurodevelopmental disorder with or without autism or seizures. Review status: criteria provided, single submitter. Criteria: ACMG Guidelines, 2015. Collection method: clinical testing. Allele origin: germline. Affected: yes.

NM_003590.5(CUL3):c.2254_2255del (p.Glu752fs)

Gene: CUL3 (cullin 3; minus strand). Cytogenetic location: 2q36.2.
Variant type: Microsatellite.
Coding change: c.2254_2255del on transcript NM_003590.5 (MANE Select); coding-DNA positions 2254 to 2255, 2 bases deleted (GA; older notation c.2254_2255delGA).
Protein change: p.Glu752fs; shifts the reading frame from glutamic acid 752.
Molecular consequence: frameshift variant.
Genome position (GRCh38, 1-based): chr2:224,474,297-224,474,298, TC deleted on the plus strand (GA on the coding strand, the reverse complement: CUL3 is on the minus strand); deleting any 2 consecutive bases within chr2:224,474,297-224,474,304 gives the same sequence; the c. name uses the placement nearest the transcript's 3' end. VCF-style (leftmost placement, unchanged base first): chr2-224474296-TTC-T. GRCh37 (hg19) VCF-style: chr2-225339013-TTC-T.
Other names: c.2056_2057del, p.Glu686fs (NM_001257197.2); c.2272_2273del, p.Glu758fs (NM_001257198.2); short protein forms E752fs, E758fs, E686fs.
Identifiers: ClinVar variation 4997591 (VCV004997591.2).